The following is an entry in ClinVar:

NM_001145308.5(LRTOMT):c.695C>T (p.Ala232Val)

Genes: ANAPC15 (anaphase promoting complex subunit 15; minus strand), LRTOMT (leucine rich transmembrane and O-methyltransferase domain containing; plus strand), TOMT (transmembrane O-methyltransferase; plus strand). Cytogenetic location: 11q13.4.
Variant type: single nucleotide variant.
Coding change: c.695C>T on transcript NM_001145308.5; coding-DNA position 695, C replaced by T.
Protein change: p.Ala232Val; replaces alanine 232 with valine.
Molecular consequence: missense variant. On other transcripts: intron variant (7), 3 prime UTR variant (3), non-coding transcript variant (1).
Genome position (GRCh38, 1-based): chr11:72,108,744, C>T. VCF-style: chr11-72108744-C-T. GRCh37 (hg19) VCF-style: chr11-71819790-C-T.
Other names: c.319-1139G>A (NM_001393428.1, NM_001393427.1, NM_001330321.2 and 3 more transcripts); c.596C>T, p.Ala199Val (NM_001393500.2); c.695C>T, p.Ala232Val (NM_001145309.4); c.575C>T, p.Ala192Val (NM_001145310.4); c.*75G>A (NM_001393443.1, NM_001393444.1, NM_001393445.1); c.64-1139G>A (NM_001393459.1); short protein forms A232V, A192V, A199V.
Identifiers: ClinVar variation 179218 (VCV000179218.19), dbSNP rs540371915, ClinGen allele CA183971.

ClinVar aggregate classification (germline): Conflicting classifications of pathogenicity. Review status: criteria provided, conflicting classifications (1 of 4 stars). 6 submissions from 6 submitters: Uncertain significance (5); Likely benign (1). Last evaluated 2026-08-27.

Conditions:
LRTOMT-related disorder. Also called: LRTOMT-related condition.

Allele frequency attached by ClinVar (database versions not stated): gnomAD 0.00037 and 0.00036; gnomAD exomes 0.00048 and 0.00034; 1000 Genomes Project 30x 0.00062; ExAC 0.00021; TOPMed 0.00033; 1000 Genomes Project 0.00060.
gnomAD v4.1: 732 of 1,550,430 alleles (0.047%); highest among the groups gnomAD compares: Non-Finnish European, 0.055%; no homozygotes.

Submissions (6):

PreventionGenetics, part of Exact Sciences
Classification: Uncertain significance for LRTOMT-related condition. Last evaluated: 2026-08-27. Review status: criteria provided, single submitter. Criteria: ACMG Guidelines, 2015. Collection method: clinical testing. Allele origin: germline.
Comment: The LRTOMT c.695C>T variant is predicted to result in the amino acid substitution p.Ala232Val. To our knowledge, this variant has not been reported in the literature. This variant is reported in 0.071% of alleles in individuals of Latino descent in gnomAD. Although we suspect that this variant may be benign, at this time, the clinical significance of this variant is uncertain due to the absence of conclusive functional and genetic evidence.

Labcorp Genetics (formerly Invitae), Labcorp
Classification: Likely benign. Last evaluated: 2025-05-19. Review status: criteria provided, single submitter. Criteria: Invitae Variant Classification Sherloc (09022015). Collection method: clinical testing. Allele origin: germline.

GeneDx
Classification: Uncertain significance. Last evaluated: 2024-05-29. Review status: criteria provided, single submitter. Criteria: GeneDx Variant Classification Process June 2021. Collection method: clinical testing. Allele origin: germline. Affected: yes.
Comment: In silico analysis indicates that this missense variant does not alter protein structure/function; Has not been previously published as pathogenic or benign to our knowledge

Mayo Clinic Laboratories, Mayo Clinic
Classification: Uncertain significance. Last evaluated: 2022-09-13. Review status: criteria provided, single submitter. Criteria: ACMG Guidelines, 2015. Collection method: clinical testing. Allele origin: germline. Observed: 1 variant allele.
Comment: BS1_supporting

Eurofins Ntd Llc (ga)
Classification: Uncertain significance. Last evaluated: 2017-07-03. Review status: criteria provided, single submitter. Criteria: EGL Classification Definitions 2015. Collection method: clinical testing. Allele origin: germline. Observed: 1 variant allele, 1 heterozygote.

Laboratory for Molecular Medicine, Mass General Brigham Personalized Medicine
Classification: Uncertain significance. Last evaluated: 2016-01-12. Review status: criteria provided, single submitter. Criteria: LMM Criteria. Collection method: clinical testing. Allele origin: germline. Observed: 3 variant alleles.
Comment: Variant classified as Uncertain Significance - Favor Benign. The p.Ala232Val var iant in LRTOMT has been previously identified by our laboratory in 2 Caucasian i ndividuals with hearing loss, but a second variant affecting the other copy of t he gene was not identified in either individual and pathogenic variants in a dif ferent gene explained the hearing loss in one of them. This variant has also bee n identified in 2/7684 South Asian chromosomes and in 2/8160 European chromosome s by the Exome Aggregation Consortium (ExAC; dbS NP rs540371915). The alanine (Ala) at position 232 is not highly conserved in ma mmals and evolutionary distant species, and 1 mammal (Chinese tree shrew) carrie s a valine (Val), raising the possibility that this change at this position may be tolerated. Additional computational prediction tools do not provide strong su pport for or against an impact to the protein. In summary, while the clinical si gnificance of the p.Ala323Val variant is uncertain, these data suggest that it i s more likely to be benign.